The following is an entry in ClinVar:

ClinVar aggregate classification (germline): Benign. Review status: criteria provided, multiple submitters, no conflicts (2 of 4 stars). 9 submissions from 9 submitters: Benign (8). 1 of the submissions does not count toward it. Last evaluated 2026-02-03.

Conditions:
Hereditary spastic paraplegia 30. Identifiers: Orphanet 101010, MedGen C5235139, MONDO:0012476.
Neuropathy, hereditary sensory, type 2C. Also called: Hereditary sensory and autonomic neuropathy type IIC; KIF1A-Related HSAN2 (HSAN2C). Identifiers: Orphanet 970, MedGen C3280168, MONDO:0013634, OMIM 614213.
Intellectual disability, autosomal dominant 9 (NESCAVS). Also called: NESCAV SYNDROME; KIF1A-Related Neurodevelopmental Disorder. Identifiers: Orphanet 662367, MedGen C5393830, MONDO:0013656, OMIM 614255.
Hereditary spastic paraplegia. Also called: Familial spastic paraparesis. Identifiers: Orphanet 685, MedGen C0037773, MONDO:0019064. Disease mechanism: loss of function.

Allele frequency attached by ClinVar (database versions not stated): gnomAD exomes 0.00586 and 0.01275; gnomAD 0.04602 and 0.04308; 1000 Genomes Project 0.04792; TOPMed 0.04850; 1000 Genomes Project 30x 0.05106; ExAC 0.02908; ESP Exome Variant Server 0.04046.
gnomAD v4.1: 15,010 of 1,529,832 alleles (0.98%); highest among the groups gnomAD compares: African/African-American, 15%; 776 homozygotes.

Submissions (9):

Labcorp Genetics (formerly Invitae), Labcorp
Classification: Benign for Hereditary spastic paraplegia 30; Neuropathy, hereditary sensory, type 2C; Intellectual disability, autosomal dominant 9. Last evaluated: 2026-02-03. Review status: criteria provided, single submitter. Criteria: Invitae Variant Classification Sherloc (09022015). Collection method: clinical testing. Allele origin: germline.

Athena Diagnostics
Classification: Benign. Last evaluated: 2024-07-31. Review status: criteria provided, single submitter. Criteria: Athena Diagnostics Criteria. Collection method: clinical testing. Allele origin: unknown.

Genome Diagnostics Laboratory, The Hospital for Sick Children
Classification: Benign for Hereditary spastic paraplegia. Last evaluated: 2022-01-14. Review status: criteria provided, single submitter. Criteria: ACMG Guidelines, 2015. Collection method: clinical testing. Allele origin: germline. Affected: yes.

Illumina Laboratory Services, Illumina
Classification: Benign for Spastic paraplegia 30A, autosomal dominant. Last evaluated: 2018-01-12. Review status: criteria provided, single submitter. Criteria: ICSL Variant Classification Criteria 13 December 2019. Collection method: clinical testing. Allele origin: germline.
Comment: This variant was observed in the ICSL laboratory as part of a predisposition screen in an ostensibly healthy population. It had not been previously curated by ICSL or reported in the Human Gene Mutation Database (HGMD: prior to June 1st, 2018), and was therefore a candidate for classification through an automated scoring system. Utilizing variant allele frequency, disease prevalence and penetrance estimates, and inheritance mode, an automated score was calculated to assess if this variant is too frequent to cause the disease. Based on the score and internal cut-off values, a variant classified as benign is not then subjected to further curation. The score for this variant resulted in a classification of benign for this disease.

Mayo Clinic Laboratories, Mayo Clinic
Classification: Benign. Last evaluated: 2017-01-13. Review status: criteria provided, single submitter. Criteria: ACMG Guidelines, 2015. Collection method: clinical testing. Allele origin: germline. Observed: 26 variant alleles.

Eurofins Ntd Llc (ga)
Classification: Benign. Last evaluated: 2015-05-26. Review status: criteria provided, single submitter. Criteria: EGL Classification Definitions 2015. Collection method: clinical testing. Allele origin: germline. Observed: 1 variant allele, 1 heterozygote.

GeneDx
Classification: Benign. Last evaluated: 2015-03-03. Review status: criteria provided, single submitter. Criteria: GeneDx Variant Classification Process June 2021. Collection method: clinical testing. Allele origin: germline. Affected: yes.

Breakthrough Genomics
Classification: Benign. Review status: criteria provided, single submitter. Criteria: ACMG Guidelines, 2015. Collection method: not provided. Allele origin: germline. Inheritance: Autosomal recessive inheritance. Affected: yes.

Genetic Services Laboratory, University of Chicago
Classification: Likely benign for AllHighlyPenetrant. Review status: no assertion criteria provided. Collection method: clinical testing. Allele origin: germline. Not counted in ClinVar's aggregate classification.
Comment: Likely benign based on allele frequency in 1000 Genomes Project or ESP global frequency and its presence in a patient with a rare or unrelated disease phenotype. NOT Sanger confirmed.

NM_001244008.2(KIF1A):c.4319-8C>T

Gene: KIF1A (kinesin family member 1A; minus strand). Cytogenetic location: 2q37.3.
Variant type: single nucleotide variant.
Coding change: c.4319-8C>T on transcript NM_001244008.2 (MANE Select); 8 bases into the intron before coding-DNA position 4319, C replaced by T.
Molecular consequence: intron variant.
Genome position (GRCh38, 1-based): chr2:240,723,566, G>A on the plus strand (C>T on the coding strand, the complement: KIF1A is on the minus strand). VCF-style: chr2-240723566-G-A. GRCh37 (hg19) VCF-style: chr2-241662983-G-A.
Other names: p.?; c.4016-8C>T (NM_001379653.1, NM_001379650.1, NM_001379641.1 and 3 more transcripts); c.4292-8C>T (NM_001379645.1, NM_001379633.1); c.4142-8C>T (NM_001379635.1, NM_001379646.1); c.4013-8C>T (NM_001379640.1); c.4040-8C>T (NM_001379639.1); c.4043-8C>T (NM_001379649.1, NM_001320705.2); c.4130-8C>T (NM_001379636.1); and 8 more.
Identifiers: ClinVar variation 129394 (VCV000129394.30), dbSNP rs1529663, ClinGen allele CA153376.